The following is an entry in ClinVar:

NM_003919.3(SGCE):c.470del (p.Pro157fs)

Genes: CASD1 (CAS1 domain sialic acid O acetyltransferase 1; plus strand), SGCE (sarcoglycan epsilon; minus strand). Cytogenetic location: 7q21.3.
Variant type: Deletion.
Coding change: c.470del on transcript NM_003919.3 (MANE Select); coding-DNA position 470, one base deleted (C; older notation c.470delC).
Protein change: p.Pro157fs; shifts the reading frame from proline 157.
Molecular consequence: frameshift variant.
Genome position (GRCh38, 1-based): chr7:94,618,950, G deleted on the plus strand (C on the coding strand, the reverse complement: SGCE is on the minus strand); the first of 3 consecutive G bases (chr7:94,618,950-94,618,952); deleting any one gives the same sequence. VCF-style (leftmost placement, unchanged base first): chr7-94618949-CG-C. GRCh37 (hg19) VCF-style: chr7-94248261-CG-C.
Other names: c.470del, p.Pro157fs (NM_001099400.2, NM_001099401.2, NM_001346717.2); c.347del, p.Pro116fs (NM_001301139.2, NM_001362809.2); c.578del, p.Pro193fs (NM_001346713.2, NM_001346715.2); c.383del, p.Pro128fs (NM_001346719.2, NM_001362807.2); c.197del, p.Pro66fs (NM_001346720.2, NM_001362808.2); short protein forms P128fs, P193fs, P116fs, P157fs, P66fs.
Identifiers: ClinVar variation 464157 (VCV000464157.7), dbSNP rs1554353106, ClinGen allele CA658657699.

ClinVar aggregate classification (germline): Pathogenic (1 of 4 stars; one submission).

Conditions:
Myoclonic dystonia 11 (DYT11). Also called: DYT-SGCE; Myoclonic dystonia; Dystonia 11; Dystonia, alcohol responsive; Hereditary essential myoclonus; SGCE Myoclonus-Dystonia. Identifiers: Orphanet 36899, MedGen C1834570, MONDO:0008044, OMIM 159900.

Submission:

Labcorp Genetics (formerly Invitae), Labcorp
Classification: Pathogenic for Myoclonic dystonia 11. Last evaluated: 2016-07-25. Review status: criteria provided, single submitter. Criteria: Invitae Variant Classification Sherloc (09022015). Collection method: clinical testing. Allele origin: germline.
Comment: For these reasons, this variant has been classified as Pathogenic. Loss-of-function variants in SGCE are known to be pathogenic. This particular variant has been reported in the literature (PMID: 16227522). This sequence change deletes one nucleotide in exon 5 of the SGCE mRNA (c.470delC), causing a frameshift at codon 157. This creates a premature translational stop signal (p.Pro157Argfs*13) and is expected to result in an absent or disrupted protein product.

Literature cited by the submitters: PubMed 16227522.